The following is an entry in ClinVar:

ClinVar aggregate classification (germline): Uncertain significance (1 of 4 stars; one submission).

Allele frequency attached by ClinVar (database versions not stated): gnomAD exomes 0.00001.
gnomAD v4.1: 9 of 1,613,174 alleles (0.00056%); highest among the groups gnomAD compares: Non-Finnish European, 0.00076%; no homozygotes.

Submission:

GeneDx
Classification: Uncertain significance. Last evaluated: 2023-06-20. Review status: criteria provided, single submitter. Criteria: GeneDx Variant Classification Process June 2021. Collection method: clinical testing. Allele origin: germline. Affected: yes.
Comment: In silico analysis supports that this missense variant has a deleterious effect on protein structure/function; Has not been previously published as pathogenic or benign to our knowledge

NM_007118.4(TRIO):c.3601C>G (p.Gln1201Glu)

Gene: TRIO (trio Rho guanine nucleotide exchange factor; plus strand). Cytogenetic location: 5p15.2.
Variant type: single nucleotide variant.
Coding change: c.3601C>G on transcript NM_007118.4 (MANE Select); coding-DNA position 3601, C replaced by G.
Protein change: p.Gln1201Glu; replaces glutamine 1201 with glutamic acid.
Molecular consequence: missense variant. On other transcripts: non-coding transcript variant (1).
Genome position (GRCh38, 1-based): chr5:14,387,468, C>G. VCF-style: chr5-14387468-C-G. GRCh37 (hg19) VCF-style: chr5-14387577-C-G.
Other names: short protein forms Q1201E.
Identifiers: ClinVar variation 2571804 (VCV002571804.1), dbSNP rs917625867, ClinGen allele CA113989004.